The following is an entry in ClinVar:

ClinVar aggregate classification (germline): Benign. Review status: criteria provided, multiple submitters, no conflicts (2 of 4 stars). 14 submissions from 14 submitters: Benign (12). 2 of the submissions do not count toward it. Last evaluated 2026-02-04.

Conditions:
Cardiovascular phenotype. Identifiers: MedGen CN230736.
Telangiectasia, hereditary hemorrhagic, type 2 (HHT2). Also called: Telangiectasia, hereditary hemorrhagic, type II; ACVRL1-Related Hereditary Hemorrhagic Telangiectasia. Identifiers: Orphanet 774, MedGen C1838163, MONDO:0010880, OMIM 600376. Disease mechanism: loss of function.

Allele frequency attached by ClinVar (database versions not stated): gnomAD exomes 0.40358 and 0.43248; ExAC 0.42633; 1000 Genomes Project 0.43111; 1000 Genomes Project 30x 0.43301; TOPMed 0.44317; gnomAD 0.45618 and 0.45979; ESP Exome Variant Server 0.47286.
gnomAD v4.1: 699,684 of 1,608,936 alleles (43%); highest among the groups gnomAD compares: African/African-American, 55%; 155,139 homozygotes.

Submissions (14):

Labcorp Genetics (formerly Invitae), Labcorp
Classification: Benign for Telangiectasia, hereditary hemorrhagic, type 2. Last evaluated: 2026-02-04. Review status: criteria provided, single submitter. Criteria: Invitae Variant Classification Sherloc (09022015). Collection method: clinical testing. Allele origin: germline.

ARUP Laboratories, Molecular Genetics and Genomics, ARUP Laboratories
Classification: Benign for Telangiectasia, hereditary hemorrhagic, type 2. Last evaluated: 2025-07-30. Review status: criteria provided, single submitter. Criteria: ARUP Molecular Germline Variant Investigation Process 2024. Collection method: clinical testing. Allele origin: germline.

Blueprint Genetics
Classification: Benign. Last evaluated: 2024-11-27. Review status: criteria provided, single submitter. Criteria: ACMG Guidelines, 2015. Collection method: clinical testing. Allele origin: germline.

Genome-Nilou Lab
Classification: Benign for Telangiectasia, hereditary hemorrhagic, type 2. Last evaluated: 2021-07-14. Review status: criteria provided, single submitter. Criteria: ACMG Guidelines, 2015. Collection method: clinical testing. Allele origin: germline. Affected: no.

Women's Health and Genetics/Laboratory Corporation of America, LabCorp
Classification: Benign. Last evaluated: 2021-07-08. Review status: criteria provided, single submitter. Criteria: LabCorp Variant Classification Summary - May 2015. Collection method: clinical testing. Allele origin: germline.

Illumina Laboratory Services, Illumina
Classification: Benign for Telangiectasia, hereditary hemorrhagic, type 2. Last evaluated: 2018-01-12. Review status: criteria provided, single submitter. Criteria: ICSL Variant Classification Criteria 13 December 2019. Collection method: clinical testing. Allele origin: germline.
Comment: This variant was observed in the ICSL laboratory as part of a predisposition screen in an ostensibly healthy population. It had not been previously curated by ICSL or reported in the Human Gene Mutation Database (HGMD: prior to June 1st, 2018), and was therefore a candidate for classification through an automated scoring system. Utilizing variant allele frequency, disease prevalence and penetrance estimates, and inheritance mode, an automated score was calculated to assess if this variant is too frequent to cause the disease. Based on the score and internal cut-off values, a variant classified as benign is not then subjected to further curation. The score for this variant resulted in a classification of benign for this disease.

Genome Diagnostics Laboratory, University Medical Center Utrecht
Classification: Benign for Telangiectasia, hereditary hemorrhagic, type 2. Last evaluated: 2017-07-28. Review status: criteria provided, single submitter. Criteria: ACGS Guidelines, 2013. Collection method: clinical testing. Allele origin: germline. Affected: yes. Study: VKGL Data-share Consensus.

Ambry Genetics
Classification: Benign for Cardiovascular phenotype. Last evaluated: 2014-12-31. Review status: criteria provided, single submitter. Criteria: Ambry Variant Classification Scheme 2023. Collection method: clinical testing. Allele origin: germline.

GeneDx
Classification: Benign. Last evaluated: 2014-01-30. Review status: criteria provided, single submitter. Criteria: GeneDx Variant Classification (06012015). Collection method: clinical testing. Allele origin: germline. Affected: yes.
Comment: This variant is considered likely benign or benign based on one or more of the following criteria: it is a conservative change, it occurs at a poorly conserved position in the protein, it is predicted to be benign by multiple in silico algorithms, and/or has population frequency not consistent with disease.

Laboratory for Molecular Medicine, Mass General Brigham Personalized Medicine
Classification: Benign. Last evaluated: 2013-02-21. Review status: criteria provided, single submitter. Criteria: LMM Criteria. Collection method: clinical testing. Allele origin: germline. Observed: 42 variant alleles.
Comment: 313+11C>T in intron 3 of ACVRL1: This variant is not expected to have clinical s ignificance because it is not located within the conserved splice consensus sequ ence. It has been identified in 46.2% (2035/4406) of African American chromosome s from a broad population by the NHLBI Exome Sequencing Project (dbSNP rs2071218).

Breakthrough Genomics
Classification: Benign. Review status: criteria provided, single submitter. Criteria: ACMG Guidelines, 2015. Collection method: not provided. Allele origin: germline. Inheritance: Autosomal dominant inheritance. Affected: yes.

PreventionGenetics, part of Exact Sciences
Classification: Benign. Review status: criteria provided, single submitter. Criteria: ACMG Guidelines, 2015. Collection method: clinical testing. Allele origin: germline.

Clinical Genetics, Academic Medical Center
Classification: Benign. Review status: no assertion criteria provided. Collection method: clinical testing. Allele origin: germline. Affected: yes. Study: VKGL Data-share Consensus. Not counted in ClinVar's aggregate classification.

Diagnostic Laboratory, Department of Genetics, University Medical Center Groningen
Classification: Benign for Telangiectasia, hereditary hemorrhagic, type 2. Review status: no assertion criteria provided. Collection method: clinical testing. Allele origin: germline. Affected: yes. Study: VKGL Data-share Consensus. Not counted in ClinVar's aggregate classification.

NM_000020.3(ACVRL1):c.313+11C>T

Gene: ACVRL1 (activin A receptor like type 1; plus strand). Cytogenetic location: 12q13.13.
Variant type: single nucleotide variant.
Coding change: c.313+11C>T on transcript NM_000020.3 (MANE Select); 11 bases into the intron after coding-DNA position 313, C replaced by T.
Molecular consequence: intron variant.
Genome position (GRCh38, 1-based): chr12:51,913,361, C>T. VCF-style: chr12-51913361-C-T. GRCh37 (hg19) VCF-style: chr12-52307145-C-T.
Other names: c.313+11C>T (NM_001077401.2).
Identifiers: ClinVar variation 136293 (VCV000136293.39), dbSNP rs2071218, ClinGen allele CA295461.